The following is an entry in ClinVar:

ClinVar aggregate classification (germline): Uncertain significance (1 of 4 stars; one submission).

Submission:

Labcorp Genetics (formerly Invitae), Labcorp
Classification: Uncertain significance. Last evaluated: 2021-12-02. Review status: criteria provided, single submitter. Criteria: Invitae Variant Classification Sherloc (09022015). Collection method: clinical testing. Allele origin: germline.
Comment: In summary, the available evidence is currently insufficient to determine the role of this variant in disease. Therefore, it has been classified as a Variant of Uncertain Significance. Variants that disrupt the consensus splice site are a relatively common cause of aberrant splicing (PMID: 17576681, 9536098). Algorithms developed to predict the effect of sequence changes on RNA splicing suggest that this variant may disrupt the consensus splice site. This variant has not been reported in the literature in individuals affected with RIMS1-related conditions. This variant is not present in population databases (gnomAD no frequency). This sequence change falls in intron 4 of the RIMS1 gene. It does not directly change the encoded amino acid sequence of the RIMS1 protein. It affects a nucleotide within the consensus splice site.

Literature cited by the submitters: PubMed 17576681; PubMed 9536098.

NM_014989.7(RIMS1):c.471+6A>C

Gene: RIMS1 (regulating synaptic membrane exocytosis 1; plus strand). Cytogenetic location: 6q13.
Variant type: single nucleotide variant.
Coding change: c.471+6A>C on transcript NM_014989.7 (MANE Select); 6 bases into the intron after coding-DNA position 471, A replaced by C.
Molecular consequence: intron variant. On other transcripts: missense variant (3).
Genome position (GRCh38, 1-based): chr6:72,099,992, A>C. VCF-style: chr6-72099992-A-C. GRCh37 (hg19) VCF-style: chr6-72809695-A-C.
Other names: c.474A>C, p.Arg158Ser (NM_001350411.1); c.396A>C, p.Arg132Ser (NM_001350412.1); c.477A>C, p.Arg159Ser (NM_001350413.1); short protein forms R159S, R132S, R158S.
Identifiers: ClinVar variation 2025178 (VCV002025178.4), dbSNP rs2551659166, ClinGen allele CA2580075726.